The following is an entry in ClinVar:

NM_001081.4(CUBN):c.10180+6G>A

Gene: CUBN (cubilin; minus strand). Cytogenetic location: 10p13.
Variant type: single nucleotide variant.
Coding change: c.10180+6G>A on transcript NM_001081.4 (MANE Select); 6 bases into the intron after coding-DNA position 10180, G replaced by A.
Molecular consequence: intron variant.
Genome position (GRCh38, 1-based): chr10:16,836,229, C>T on the plus strand (G>A on the coding strand, the complement: CUBN is on the minus strand). VCF-style: chr10-16836229-C-T. GRCh37 (hg19) VCF-style: chr10-16878228-C-T.
Identifiers: ClinVar variation 3048520 (VCV003048520.2), dbSNP rs375780887, ClinGen allele CA5422465.

ClinVar aggregate classification (germline): Likely benign (0 of 4 stars; one submission).

Conditions:
CUBN-related disorder. Also called: CUBN-related condition.

Allele frequency attached by ClinVar (database versions not stated): gnomAD 0.00001; gnomAD exomes 0.00001; ExAC 0.00002; TOPMed 0.00003; ESP Exome Variant Server 0.00008.
gnomAD v4.1: 20 of 1,611,996 alleles (0.0012%); highest among the groups gnomAD compares: South Asian, 0.0022%; no homozygotes.

Submission:

PreventionGenetics, part of Exact Sciences
Classification: Likely benign for CUBN-related condition. Last evaluated: 2022-12-20. Review status: no assertion criteria provided. Collection method: clinical testing. Allele origin: germline.
Comment: This variant is classified as likely benign based on ACMG/AMP sequence variant interpretation guidelines (Richards et al. 2015 PMID: 25741868, with internal and published modifications).